The following is an entry in ClinVar:

ClinVar aggregate classification (germline): Pathogenic/Likely pathogenic. Review status: criteria provided, multiple submitters, no conflicts (2 of 4 stars). 4 submissions from 4 submitters: Pathogenic (1); Likely pathogenic (3). Last evaluated 2026-08-14.

Conditions:
DYNC2H1-related disorder. Also called: DYNC2H1-related disorders; DYNC2H1-related condition. Identifiers: MedGen CN378770.
Jeune thoracic dystrophy. Also called: Jeune syndrome; Infantile thoracic dystrophy; Thoracic pelvic phalangeal dystrophy; Jeune's syndrome; Chondroectodermal dysplasia-like syndrome; Short-rib thoracic dysplasia. Identifiers: Orphanet 474, MedGen C0265275, MONDO:0018770.
Asphyxiating thoracic dystrophy 3. Also called: POLYDACTYLY WITH NEONATAL CHONDRODYSTROPHY, TYPE I; Short rib polydactyly syndrome 2B; Saldino-Noonan Syndrome; SHORT-RIB THORACIC DYSPLASIA 3/6 WITH POLYDACTYLY, DIGENIC; SHORT-RIB THORACIC DYSPLASIA 3 WITH OR WITHOUT POLYDACTYLY. Identifiers: Orphanet 474, Orphanet 93269, Orphanet 93270, Orphanet 93271, MedGen C0036069, MONDO:0013127, OMIM 613091.

Allele frequency attached by ClinVar (database versions not stated): gnomAD exomes below 0.00001; TOPMed below 0.00001.
gnomAD v4.1: 4 of 1,547,112 alleles (0.00026%); highest among the groups gnomAD compares: Non-Finnish European, 0.00035%; no homozygotes.

Submissions (4):

Myriad Genetics, Inc.
Classification: Likely pathogenic for Asphyxiating thoracic dystrophy 3. Last evaluated: 2026-08-14. Review status: criteria provided, single submitter. Criteria: Myriad Autosomal Dominant, Autosomal Recessive and X-Linked Classification Criteria (2023). Collection method: clinical testing. Allele origin: unknown.
Comment: NM_001377.2(DYNC2H1):c.11650-1G>A is a variant in a canonical splice site classified as likely pathogenic in the context of DYNC2H1-related disorders. c.11650-1G>A has not been observed in cases with relevant disease. Relevant functional assessments of this variant are not available in the literature. c.11650-1G>A has not been observed in referenced population frequency databases. In summary, NM_001377.2(DYNC2H1):c.11650-1G>A is a variant in a canonical splice site in a gene where loss of function is a known mechanism of disease and is predicted to disrupt protein function. Please note: this variant was assessed in the context of healthy population screening.

Labcorp Genetics (formerly Invitae), Labcorp
Classification: Likely pathogenic for Jeune thoracic dystrophy. Last evaluated: 2026-01-14. Review status: criteria provided, single submitter. Criteria: Invitae Variant Classification Sherloc (09022015). Collection method: clinical testing. Allele origin: germline.
Comment: This sequence change affects an acceptor splice site in intron 80 of the DYNC2H1 gene. It is expected to disrupt RNA splicing. Variants that disrupt the donor or acceptor splice site typically lead to a loss of protein function (PMID: 16199547), and loss-of-function variants in DYNC2H1 are known to be pathogenic (PMID: 23339108, 32753734, 33755199). This variant is not present in population databases (gnomAD no frequency). This variant has not been reported in the literature in individuals affected with DYNC2H1-related conditions. ClinVar contains an entry for this variant (Variation ID: 235270). Algorithms developed to predict the effect of sequence changes on RNA splicing suggest that this variant may disrupt the consensus splice site. In summary, the currently available evidence indicates that the variant is pathogenic, but additional data are needed to prove that conclusively. Therefore, this variant has been classified as Likely Pathogenic.

Blueprint Genetics
Classification: Likely pathogenic for DYNC2H1-related disorders. Last evaluated: 2024-03-13. Review status: criteria provided, single submitter. Criteria: ACMG Guidelines, 2015. Collection method: clinical testing. Allele origin: germline. Affected: yes. Observed: 1 variant allele.

Center for Pediatric Genomic Medicine, Children's Mercy Hospital and Clinics
Classification: Pathogenic. Last evaluated: 2015-03-13. Review status: criteria provided, single submitter. Criteria: ACMG Guidelines, 2015. Collection method: clinical testing. Allele origin: germline.

Literature cited by the submitters: PubMed 16199547 (cited by Labcorp Genetics (formerly Invitae), Labcorp); PubMed 23339108 (cited by Labcorp Genetics (formerly Invitae), Labcorp); PubMed 32753734 (cited by Labcorp Genetics (formerly Invitae), Labcorp); PubMed 33755199 (cited by Labcorp Genetics (formerly Invitae), Labcorp).

NM_001377.3(DYNC2H1):c.11650-1G>A

Gene: DYNC2H1 (dynein cytoplasmic 2 heavy chain 1; plus strand). Cytogenetic location: 11q22.3.
Variant type: single nucleotide variant.
Coding change: c.11650-1G>A on transcript NM_001377.3 (MANE Select); the canonical splice acceptor site of the intron before coding-DNA position 11650, G replaced by A.
Molecular consequence: splice acceptor variant.
Genome position (GRCh38, 1-based): chr11:103,316,544, G>A. VCF-style: chr11-103316544-G-A. GRCh37 (hg19) VCF-style: chr11-103187273-G-A.
Other names: c.11671-1G>A (NM_001080463.2).
Identifiers: ClinVar variation 235270 (VCV000235270.7), dbSNP rs878852996, ClinGen allele CA10581260.